The following is an entry in ClinVar:

ClinVar aggregate classification (germline): Uncertain significance (1 of 4 stars; one submission).

Allele frequency attached by ClinVar (database versions not stated): TOPMed below 0.00001; gnomAD exomes below 0.00001; gnomAD 0.00001; ExAC 0.00002.
gnomAD v4.1: 4 of 1,579,368 alleles (0.00025%); highest among the groups gnomAD compares: Admixed American, 0.0035%; no homozygotes.

Submission:

Labcorp Genetics (formerly Invitae), Labcorp
Classification: Uncertain significance. Last evaluated: 2021-08-27. Review status: criteria provided, single submitter. Criteria: Invitae Variant Classification Sherloc (09022015). Collection method: clinical testing. Allele origin: germline.
Comment: This sequence change replaces histidine with asparagine at codon 1629 of the OTOF protein (p.His1629Asn). The histidine residue is highly conserved and there is a small physicochemical difference between histidine and asparagine. This variant is present in population databases (rs774994239, ExAC 0.01%). This variant has not been reported in the literature in individuals affected with OTOF-related conditions. Algorithms developed to predict the effect of missense changes on protein structure and function (SIFT, PolyPhen-2, Align-GVGD) all suggest that this variant is likely to be disruptive. In summary, the available evidence is currently insufficient to determine the role of this variant in disease. Therefore, it has been classified as a Variant of Uncertain Significance.

NM_194248.3(OTOF):c.4885C>A (p.His1629Asn)

Gene: OTOF (otoferlin; minus strand). Cytogenetic location: 2p23.3.
Variant type: single nucleotide variant.
Coding change: c.4885C>A on transcript NM_194248.3 (MANE Select); coding-DNA position 4885, C replaced by A.
Protein change: p.His1629Asn; replaces histidine 1629 with asparagine.
Molecular consequence: missense variant.
Genome position (GRCh38, 1-based): chr2:26,464,944, G>T on the plus strand (C>A on the coding strand, the complement: OTOF is on the minus strand). VCF-style: chr2-26464944-G-T. GRCh37 (hg19) VCF-style: chr2-26687812-G-T.
Other names: c.4885C>A, p.His1629Asn (NM_001287489.2); c.2584C>A, p.His862Asn (NM_004802.4, NM_194323.3); c.2815C>A, p.His939Asn (NM_194322.3); short protein forms H1629N, H939N, H862N.
Identifiers: ClinVar variation 1514399 (VCV001514399.5), dbSNP rs774994239, ClinGen allele CA1563006.